The following is an entry in ClinVar:

ClinVar aggregate classification (germline): Uncertain significance. Review status: criteria provided, multiple submitters, no conflicts (2 of 4 stars). 5 submissions from 5 submitters: Uncertain significance (4). 1 of the submissions does not count toward it. Last evaluated 2025-07-16.

Conditions:
KCNQ4-related disorder. Also called: KCNQ4-related condition.
Inborn genetic diseases. Identifiers: MedGen C0950123, MeSH D030342.

Allele frequency attached by ClinVar (database versions not stated): gnomAD exomes below 0.00001 and 0.00002; gnomAD 0.00001; ExAC 0.00002; TOPMed 0.00004.
gnomAD v4.1: 13 of 1,613,256 alleles (0.00081%); highest among the groups gnomAD compares: Admixed American, 0.005%; no homozygotes.

Submissions (5):

Ambry Genetics
Classification: Uncertain significance for Inborn genetic diseases. Last evaluated: 2025-07-16. Review status: criteria provided, single submitter. Criteria: Ambry Variant Classification Scheme 2023. Collection method: clinical testing. Allele origin: germline.

Labcorp Genetics (formerly Invitae), Labcorp
Classification: Uncertain significance. Last evaluated: 2025-04-28. Review status: criteria provided, single submitter. Criteria: Invitae Variant Classification Sherloc (09022015). Collection method: clinical testing. Allele origin: germline.
Comment: This sequence change replaces asparagine, which is neutral and polar, with serine, which is neutral and polar, at codon 129 of the KCNQ4 protein (p.Asn129Ser). This variant is present in population databases (rs761034165, gnomAD 0.006%). This variant has not been reported in the literature in individuals affected with KCNQ4-related conditions. ClinVar contains an entry for this variant (Variation ID: 505394). Invitae Evidence Modeling of protein sequence and biophysical properties (such as structural, functional, and spatial information, amino acid conservation, physicochemical variation, residue mobility, and thermodynamic stability) indicates that this missense variant is not expected to disrupt KCNQ4 protein function with a negative predictive value of 95%. In summary, the available evidence is currently insufficient to determine the role of this variant in disease. Therefore, it has been classified as a Variant of Uncertain Significance.

Blueprint Genetics
Classification: Uncertain significance. Last evaluated: 2024-10-03. Review status: criteria provided, single submitter. Criteria: ACMG Guidelines, 2015. Collection method: clinical testing. Allele origin: germline.

Laboratory for Molecular Medicine, Mass General Brigham Personalized Medicine
Classification: Uncertain significance. Last evaluated: 2021-01-27. Review status: criteria provided, single submitter. Criteria: LMM Criteria. Collection method: clinical testing. Allele origin: germline. Observed: 4 variant alleles.
Comment: Variant classified as Uncertain Significance - Favor Benign. The p.Asn129Ser variant in KCNQ4 has been previously reported in two probands with hearing loss by our laboratory; however, it was also identified in one unaffected parent and one parent with an abnormal audiogram attributed to work-related exposure. It has also been identified in 0.001% (2/128558) of European chromosomes by gnomAD. This variant has also been reported in ClinVar (Variation ID 505394). Computational prediction tools and conservation analysis suggest that this variant may not impact the protein, though this information is not predictive enough to rule out pathogenicity. In summary, while the clinical significance of this variant is uncertain, these data suggest that it is more likely to be benign. ACMG/AMP criteria applied: PM2_Supporting, PS4_Supporting, BP4.

PreventionGenetics, part of Exact Sciences
Classification: Uncertain significance for KCNQ4-related condition. Last evaluated: 2024-08-21. Review status: no assertion criteria provided. Collection method: clinical testing. Allele origin: germline. Not counted in ClinVar's aggregate classification.
Comment: The KCNQ4 c.386A>G variant is predicted to result in the amino acid substitution p.Asn129Ser. To our knowledge, this variant has not been reported in the literature. This variant is reported in 0.0016% of alleles in individuals of European (Non-Finnish) descent in gnomAD. At this time, the clinical significance of this variant is uncertain due to the absence of conclusive functional and genetic evidence.

NM_004700.4(KCNQ4):c.386A>G (p.Asn129Ser)

Gene: KCNQ4 (potassium voltage-gated channel subfamily Q member 4; plus strand). Cytogenetic location: 1p34.2.
Variant type: single nucleotide variant.
Coding change: c.386A>G on transcript NM_004700.4 (MANE Select); coding-DNA position 386, A replaced by G.
Protein change: p.Asn129Ser; replaces asparagine 129 with serine.
Molecular consequence: missense variant.
Genome position (GRCh38, 1-based): chr1:40,817,336, A>G. VCF-style: chr1-40817336-A-G. GRCh37 (hg19) VCF-style: chr1-41283008-A-G.
Other names: c.386A>G, p.Asn129Ser (NM_172163.3); short protein forms N129S.
Identifiers: ClinVar variation 505394 (VCV000505394.12), dbSNP rs761034165, ClinGen allele CA794514.